The following is an entry in ClinVar:

ClinVar aggregate classification (germline): Uncertain significance (1 of 4 stars; one submission).

Conditions:
Hereditary cancer-predisposing syndrome. Also called: Neoplastic Syndromes, Hereditary; Tumor predisposition; Hereditary Cancer Syndrome; Hereditary neoplastic syndrome. Identifiers: Orphanet 140162, MedGen C0027672, MeSH D009386, MONDO:0015356.

Submission:

Ambry Genetics
Classification: Uncertain significance for Hereditary cancer-predisposing syndrome. Last evaluated: 2021-12-27. Review status: criteria provided, single submitter. Criteria: Ambry Variant Classification Scheme 2023. Collection method: clinical testing. Allele origin: germline.
Comment: The p.L1150P variant (also known as c.3449T>C), located in coding exon 13 of the PALB2 gene, results from a T to C substitution at nucleotide position 3449. The leucine at codon 1150 is replaced by proline, an amino acid with similar properties. This variant was identified in 1/360 Chinese women with early onset breast cancer who previously tested negative for BRCA1/2 mutations (Cao AY et al. Breast Cancer Res. Treat. 2009 Apr;114:457-62). This amino acid position is highly conserved in available vertebrate species. In addition, this alteration is predicted to be tolerated by in silico analysis. Since supporting evidence is limited at this time, the clinical significance of this alteration remains unclear.

Literature cited by the submitters: PubMed 18446436.

NM_024675.4(PALB2):c.3449T>C (p.Leu1150Pro)

Gene: PALB2 (partner and localizer of BRCA2; minus strand). Cytogenetic location: 16p12.2.
Variant type: single nucleotide variant.
Coding change: c.3449T>C on transcript NM_024675.4 (MANE Select); coding-DNA position 3449, T replaced by C.
Protein change: p.Leu1150Pro; replaces leucine 1150 with proline.
Molecular consequence: missense variant.
Genome position (GRCh38, 1-based): chr16:23,603,571, A>G on the plus strand (T>C on the coding strand, the complement: PALB2 is on the minus strand). VCF-style: chr16-23603571-A-G. GRCh37 (hg19) VCF-style: chr16-23614892-A-G.
Other names: c.3389T>C, p.Leu1130Pro (NM_001407296.1); c.3377T>C, p.Leu1126Pro (NM_001407297.1); c.3287T>C, p.Leu1096Pro (NM_001407298.1); c.3212T>C, p.Leu1071Pro (NM_001407299.1); c.3170T>C, p.Leu1057Pro (NM_001407300.1); c.*84T>C (NM_001407301.1, NM_001407302.1, NM_001407310.1 and 2 more transcripts); c.2564T>C, p.Leu855Pro (NM_001407304.1, NM_001407305.1, NM_001407306.1); c.2402T>C, p.Leu801Pro (NM_001407307.1); and 3 more; short protein forms L1057P, L1071P, L1126P, L1150P, L554P, L801P, L855P, L1096P.
Identifiers: ClinVar variation 1731530 (VCV001731530.2), dbSNP rs45566737, ClinGen allele CA395138103.